The following is an entry in ClinVar:

NM_080680.3(COL11A2):c.586C>A (p.Leu196Met)

Gene: COL11A2 (collagen type XI alpha 2 chain; minus strand). Cytogenetic location: 6p21.32.
Variant type: single nucleotide variant.
Coding change: c.586C>A on transcript NM_080680.3 (MANE Select); coding-DNA position 586, C replaced by A.
Protein change: p.Leu196Met; replaces leucine 196 with methionine.
Molecular consequence: missense variant. On other transcripts: 5 prime UTR variant (3), non-coding transcript variant (1).
Genome position (GRCh38, 1-based): chr6:33,188,382, G>T on the plus strand (C>A on the coding strand, the complement: COL11A2 is on the minus strand). VCF-style: chr6-33188382-G-T. GRCh37 (hg19) VCF-style: chr6-33156159-G-T.
Other names: c.586C>A, p.Leu196Met (NM_001163771.2, NM_001424108.1, NM_080679.3 and 1 more transcripts); c.-261C>A (NM_001424109.1, NM_001424110.1, NM_001424111.1); short protein forms L196M.
Identifiers: ClinVar variation 3347196 (VCV003347196.1).
Genomic context (GRCh38, chr6:33,188,382, plus strand): 5'-GGGACCAGAAGTCAATCCTGCCTCTGATTGCTCTGGTTACCTCAAAGACTTCTTCATCCA[G>T]AATACGGGCACCAAAGATGATCACTCCATGGGTGTCCAATACTGGACGAGCACTTCGGGG-3'
Protein context (NP_542411.2, residues 186-206): HGVIIFGARI[Leu196Met]DEEVFEGDVQ

ClinVar aggregate classification (germline): Uncertain significance (0 of 4 stars; one submission).

Conditions:
COL11A2-related disorder. Also called: COL11A2-related condition; COL11A2-related disorders.

gnomAD v4.1: 1 of 1,613,074 alleles (0.000062%); highest among the groups gnomAD compares: Non-Finnish European, 0.000085%; no homozygotes.

Submission:

PreventionGenetics, part of Exact Sciences
Classification: Uncertain significance for COL11A2-related condition. Last evaluated: 2024-04-03. Review status: no assertion criteria provided. Collection method: clinical testing. Allele origin: germline.
Comment: The COL11A2 c.586C>A variant is predicted to result in the amino acid substitution p.Leu196Met. To our knowledge, this variant has not been reported in the literature or in a large population database, indicating this variant is rare. At this time, the clinical significance of this variant is uncertain due to the absence of conclusive functional and genetic evidence.